The following is an entry in ClinVar:

ClinVar aggregate classification (germline): Uncertain significance (1 of 4 stars; one submission).

Conditions:
Familial cold autoinflammatory syndrome 3 (FCAS3). Also called: FAMILIAL ATYPICAL COLD URTICARIA; ANTIBODY DEFICIENCY AND IMMUNE DYSREGULATION, PLCG2-ASSOCIATED. Identifiers: Orphanet 300359, MedGen C3280914, MONDO:0013766, OMIM 614468.

Submission:

Labcorp Genetics (formerly Invitae), Labcorp
Classification: Uncertain significance for Familial cold autoinflammatory syndrome 3. Last evaluated: 2018-09-18. Review status: criteria provided, single submitter. Criteria: Invitae Variant Classification Sherloc (09022015). Collection method: clinical testing. Allele origin: germline.
Comment: This variant, c.3417_3419delAGA, results in the deletion of 1 amino acid(s) of the PLCG2 protein (p.Glu1139del), but otherwise preserves the integrity of the reading frame. This variant is not present in population databases (ExAC no frequency). This variant has not been reported in the literature in individuals with PLCG2-related disease. Experimental studies and prediction algorithms are not available for this variant, and the functional significance of the affected amino acid(s) is currently unknown. In summary, the available evidence is currently insufficient to determine the role of this variant in disease. Therefore, it has been classified as a Variant of Uncertain Significance.

NM_002661.5(PLCG2):c.3414AGA[1] (p.Glu1139del)

Gene: PLCG2 (phospholipase C gamma 2; plus strand). Cytogenetic location: 16q23.3.
Variant type: Microsatellite.
Coding change: c.3414AGA[1] on transcript NM_002661.5 (MANE Select); one copy of the 3-base unit AGA starting at c.3414; the reference has two copies in a row; one copy, 3 bases deleted.
Protein change: p.Glu1139del; deletes glutamic acid 1139.
Molecular consequence: inframe deletion.
Genome position (GRCh38, 1-based): chr16:81,939,995-81,939,997, AGA deleted; deleting any 3 consecutive bases within chr16:81,939,990-81,939,997 gives the same sequence; the position shown is the placement nearest the transcript's 3' end. VCF-style (leftmost placement, unchanged base first): chr16-81939989-TGAA-T. GRCh37 (hg19) VCF-style: chr16-81973594-TGAA-T.
Other names: short protein forms E1139del.
Identifiers: ClinVar variation 646947 (VCV000646947.8), dbSNP rs1597146407, ClinGen allele CA915949367.
Genomic context (GRCh38, chr16:81,939,989, plus strand): 5'-GGAGAAGGTGACATTTGAAATTTATGACCCAAACCTGGCATTTCTGCGCTTTGTGGTTTA[TGAA>T]GAAGATATGTTCAGCGATCCCAACTTTCTTGCTCATGCCACTTACCCCATTAAAGCAGTC-3'